The following is an entry in ClinVar:

NM_000278.5(PAX2):c.846G>A (p.Ser282=)

Gene: PAX2 (paired box 2; plus strand). Cytogenetic location: 10q24.31.
Variant type: single nucleotide variant.
Coding change: c.846G>A on transcript NM_000278.5 (MANE Select); coding-DNA position 846, G replaced by A.
Protein change: p.Ser282=; no amino-acid change (serine 282 retained).
Molecular consequence: synonymous variant.
Genome position (GRCh38, 1-based): chr10:100,809,163, G>A. VCF-style: chr10-100809163-G-A. GRCh37 (hg19) VCF-style: chr10-102568920-G-A.
Other names: c.915G>A (NM_003990.4); c.939G>A, p.Ser313= (NM_001304569.2); c.915G>A, p.Ser305= (NM_003987.5, NM_003990.5); c.846G>A, p.Ser282= (NM_003988.5, NM_003989.5).
Identifiers: ClinVar variation 1950039 (VCV001950039.8), dbSNP rs777494044, ClinGen allele CA5650877.

ClinVar aggregate classification (germline): Benign/Likely benign. Review status: criteria provided, multiple submitters, no conflicts (2 of 4 stars). 3 submissions from 3 submitters: Benign (1); Likely benign (1). 1 of the submissions does not count toward it. Last evaluated 2022-11-22.

Conditions:
Renal coloboma syndrome (PAPRS). Also called: PAPILLORENAL SYNDROME; PAPILLORENAL SYNDROME WITH MILD OCULAR ABNORMALITIES; COLOBOMA OF OPTIC NERVE WITH RENAL DISEASE; OPTIC COLOBOMA, VESICOURETERAL REFLUX, AND RENAL ANOMALIES; OPTIC NERVE COLOBOMA WITH RENAL DISEASE; RENAL-COLOBOMA SYNDROME WITH MACULAR ABNORMALITIES. Identifiers: Orphanet 1475, MedGen C1852759, MONDO:0007352, OMIM 120330.
Focal segmental glomerulosclerosis 7 (FSGS7). Identifiers: Orphanet 656, MedGen C4014925, MONDO:0014451, OMIM 616002.
PAX2-Related Disorder. Also called: PAX2-related disorders. Identifiers: MedGen CN381309.

Allele frequency attached by ClinVar (database versions not stated): gnomAD 0.00002; TOPMed 0.00007.
gnomAD v4.1: 31 of 1,612,934 alleles (0.0019%); highest among the groups gnomAD compares: East Asian, 0.033%; no homozygotes.

Submissions (3):

Labcorp Genetics (formerly Invitae), Labcorp
Classification: Benign for Renal coloboma syndrome; Focal segmental glomerulosclerosis 7. Last evaluated: 2022-11-22. Review status: criteria provided, single submitter. Criteria: Invitae Variant Classification Sherloc (09022015). Collection method: clinical testing. Allele origin: germline.

Breakthrough Genomics
Classification: Likely benign. Review status: criteria provided, single submitter. Criteria: ACMG Guidelines, 2015. Collection method: not provided. Allele origin: germline. Inheritance: Autosomal dominant inheritance. Affected: yes.

PreventionGenetics, part of Exact Sciences
Classification: Likely benign for PAX2-related condition. Last evaluated: 2022-12-19. Review status: no assertion criteria provided. Collection method: clinical testing. Allele origin: germline. Not counted in ClinVar's aggregate classification.
Comment: This variant is classified as likely benign based on ACMG/AMP sequence variant interpretation guidelines (Richards et al. 2015 PMID: 25741868, with internal and published modifications).